The following is an entry in ClinVar:

ClinVar aggregate classification (germline): Pathogenic (1 of 4 stars; one submission).

Conditions:
Multiple sulfatase deficiency (MSD). Also called: Mucosulfatidosis; Multiple Sulfatase Deficiency Disease; Sulfatidosis, Juvenile, Austin Type. Identifiers: Orphanet 585, MedGen C0268263, MONDO:0010088, OMIM 272200.

Submission:

Myriad Genetics, Inc.
Classification: Pathogenic for Multiple sulfatase deficiency. Last evaluated: 2024-05-14. Review status: criteria provided, single submitter. Criteria: Myriad Autosomal Dominant, Autosomal Recessive and X-Linked Classification Criteria (2023). Collection method: clinical testing. Allele origin: unknown.
Comment: NM_182760.3(SUMF1):c.772_773ins13(A258Vfs*2) is expected to be pathogenic in the context of multiple sulfatase deficiency. This variant is predicted to lead to an abnormal or absent protein product due to the creation of a premature termination codon in SUMF1, a gene where loss-of-function variants are known to be pathogenic. Please note: this variant was assessed in the context of healthy population screening.

NM_182760.4(SUMF1):c.772_773insTATAAGAGACAGT (p.Ala258delinsValTer)

Gene: SUMF1 (sulfatase modifying factor 1; minus strand). Cytogenetic location: 3p26.1.
Variant type: Insertion.
Coding change: c.772_773insTATAAGAGACAGT on transcript NM_182760.4 (MANE Select); coding-DNA positions 772 to 773, TATAAGAGACAGT inserted.
Protein change: p.Ala258delinsValTer.
Molecular consequence: nonsense.
Genome position: GRCh38 VCF-style: chr3-4417195-G-GACTGTCTCTTATA. GRCh37 (hg19) VCF-style: chr3-4458879-G-GACTGTCTCTTATA.
Other names: c.697_698insTATAAGAGACAGT, p.Ala233delinsValTer (NM_001164674.2); c.772_773insTATAAGAGACAGT, p.Ala258delinsValTer (NM_001164675.2).
Identifiers: ClinVar variation 5010785 (VCV005010785.1).